The following is an entry in ClinVar:

NM_004055.5(CAPN5):c.129C>T (p.Gly43=)

Gene: CAPN5 (calpain 5; plus strand). Cytogenetic location: 11q13.5.
Variant type: single nucleotide variant.
Coding change: c.129C>T on transcript NM_004055.5 (MANE Select); coding-DNA position 129, C replaced by T.
Protein change: p.Gly43=; no amino-acid change (glycine 43 retained).
Molecular consequence: synonymous variant.
Genome position (GRCh38, 1-based): chr11:77,085,015, C>T. VCF-style: chr11-77085015-C-T. GRCh37 (hg19) VCF-style: chr11-76796061-C-T.
Other names: c.129C>T, p.Gly43= (NM_001425321.1, NM_001425322.1, NM_001425323.1).
Identifiers: ClinVar variation 2994396 (VCV002994396.3), dbSNP rs376307716, ClinGen allele CA6196121.

ClinVar aggregate classification (germline): Uncertain significance (1 of 4 stars; one submission).

Allele frequency attached by ClinVar (database versions not stated): gnomAD exomes 0.00001; TOPMed 0.00001; ExAC 0.00002; gnomAD 0.00003; ESP Exome Variant Server 0.00008.

Submission:

Labcorp Genetics (formerly Invitae), Labcorp
Classification: Uncertain significance. Last evaluated: 2024-10-29. Review status: criteria provided, single submitter. Criteria: Invitae Variant Classification Sherloc (09022015). Collection method: clinical testing. Allele origin: germline.
Comment: This sequence change affects codon 43 of the CAPN5 mRNA. It is a 'silent' change, meaning that it does not change the encoded amino acid sequence of the CAPN5 protein. This variant is present in population databases (rs376307716, gnomAD 0.003%). This variant has not been reported in the literature in individuals affected with CAPN5-related conditions. ClinVar contains an entry for this variant (Variation ID: 2994396). Algorithms developed to predict the effect of sequence changes on RNA splicing suggest that this variant may create or strengthen a splice site. In summary, the available evidence is currently insufficient to determine the role of this variant in disease. Therefore, it has been classified as a Variant of Uncertain Significance.